The following is an entry in ClinVar:

ClinVar aggregate classification (germline): Likely benign. Review status: criteria provided, multiple submitters, no conflicts (2 of 4 stars). 3 submissions from 3 submitters: Likely benign (3). Last evaluated 2026-06-22.

Conditions:
Myofibrillar myopathy 6. Identifiers: Orphanet 199340, MedGen C2751831, MONDO:0013061, OMIM 612954.
Dilated cardiomyopathy 1HH (CMD1HH). Identifiers: Orphanet 154, MedGen C3151293, MONDO:0013479, OMIM 613881.
Cardiovascular phenotype. Identifiers: MedGen CN230736.

Allele frequency attached by ClinVar (database versions not stated): gnomAD exomes below 0.00001; TOPMed below 0.00001; ExAC 0.00001; gnomAD 0.00001.
gnomAD v4.1: 1 of 1,611,166 alleles (0.000062%); highest among the groups gnomAD compares: Non-Finnish European, 0.000085%; no homozygotes.

Submissions (3):

Ambry Genetics
Classification: Likely benign for Cardiovascular phenotype. Last evaluated: 2026-06-22. Review status: criteria provided, single submitter. Criteria: Ambry Variant Classification Scheme 2023. Collection method: clinical testing. Allele origin: germline.

Labcorp Genetics (formerly Invitae), Labcorp
Classification: Likely benign for Dilated cardiomyopathy 1HH; Myofibrillar myopathy 6. Last evaluated: 2024-10-18. Review status: criteria provided, single submitter. Criteria: Invitae Variant Classification Sherloc (09022015). Collection method: clinical testing. Allele origin: germline.

GeneDx
Classification: Likely benign. Last evaluated: 2017-10-19. Review status: criteria provided, single submitter. Criteria: GeneDx Variant Classification (06012015). Collection method: clinical testing. Allele origin: germline. Affected: yes.
Comment: This variant is considered likely benign or benign based on one or more of the following criteria: it is a conservative change, it occurs at a poorly conserved position in the protein, it is predicted to be benign by multiple in silico algorithms, and/or has population frequency not consistent with disease.

NM_004281.4(BAG3):c.480C>T (p.Ala160=)

Gene: BAG3 (BAG cochaperone 3; plus strand). Cytogenetic location: 10q26.11.
Variant type: single nucleotide variant.
Coding change: c.480C>T on transcript NM_004281.4 (MANE Select); coding-DNA position 480, C replaced by T.
Protein change: p.Ala160=; no amino-acid change (alanine 160 retained).
Molecular consequence: synonymous variant.
Genome position (GRCh38, 1-based): chr10:119,670,150, C>T. VCF-style: chr10-119670150-C-T. GRCh37 (hg19) VCF-style: chr10-121429662-C-T.
Identifiers: ClinVar variation 512733 (VCV000512733.9), dbSNP rs749405417, ClinGen allele CA5716330.
Genomic context (GRCh38, chr10:119,670,150, plus strand): 5'-CATGCCAGAAACCACTCAGCCAGATAAACAGTGTGGACAGGTGGCAGCGGCGGCGGCAGC[C>T]CAGCCCCCAGCCTCCCACGGACCTGAGGTAAGGAGAGGCCAGGCTCACCAGCCTGCTGGG-3'
Protein context (NP_004272.2, residues 150-170): QCGQVAAAAA[Ala160=]QPPASHGPER